The following is an entry in ClinVar:

ClinVar aggregate classification (germline): Uncertain significance (1 of 4 stars; one submission).

Conditions:
Leucine-induced hypoglycemia (LIH). Also called: LEUCINE-SENSITIVE HYPOGLYCEMIA OF INFANCY. Identifiers: MedGen C0271714, MONDO:0009415, OMIM 240800.

gnomAD v4.1: 1 of 1,614,108 alleles (0.000062%); highest among the groups gnomAD compares: South Asian, 0.0011%; no homozygotes.

Submission:

OLLIN Analises Genomicas, OLLIN
Classification: Uncertain significance for Leucine-induced hypoglycemia. Last evaluated: 2026-08-06. Review status: criteria provided, single submitter. Criteria: ACMG Guidelines 2015 PMID 25741868. Collection method: clinical testing. Allele origin: germline.
Comment: This missense variant, located in exon 14 (of 39), has been observed in gnomAD with an allele frequency of 0.000062%, but has not been reported in ClinVar or identified in the literature. In silico analysis predicts that this variant has a tolerated effect. According to the currently available evidence, this variant has been classified as uncertain significance (BP4_M).

NM_000352.6(ABCC8):c.1954G>T (p.Ala652Ser)

Gene: ABCC8 (ATP binding cassette subfamily C member 8; minus strand). Cytogenetic location: 11p15.1.
Variant type: single nucleotide variant.
Coding change: c.1954G>T on transcript NM_000352.6 (MANE Select); coding-DNA position 1954, G replaced by T.
Protein change: p.Ala652Ser; replaces alanine 652 with serine.
Molecular consequence: missense variant. On other transcripts: non-coding transcript variant (1).
Genome position (GRCh38, 1-based): chr11:17,428,375, C>A on the plus strand (G>T on the coding strand, the complement: ABCC8 is on the minus strand). VCF-style: chr11-17428375-C-A. GRCh37 (hg19) VCF-style: chr11-17449922-C-A.
Other names: c.1954G>T, p.Ala652Ser (NM_001287174.3); c.2020G>T, p.Ala674Ser (NM_001351295.2); c.1951G>T, p.Ala651Ser (NM_001351296.2, NM_001351297.2); short protein forms A652S, A651S, A674S.
Identifiers: ClinVar variation 5003128 (VCV005003128.1).